The following is an entry in ClinVar:

NM_019066.5(MAGEL2):c.2248A>T (p.Met750Leu)

Gene: MAGEL2 (MAGE family member L2; minus strand). Cytogenetic location: 15q11.2.
Variant type: single nucleotide variant.
Coding change: c.2248A>T on transcript NM_019066.5 (MANE Select); coding-DNA position 2248, A replaced by T.
Protein change: p.Met750Leu; replaces methionine 750 with leucine.
Molecular consequence: missense variant.
Genome position (GRCh38, 1-based): chr15:23,645,495, T>A on the plus strand (A>T on the coding strand, the complement: MAGEL2 is on the minus strand). VCF-style: chr15-23645495-T-A. GRCh37 (hg19) VCF-style: chr15-23890642-T-A.
Other names: short protein forms M750L.
Identifiers: ClinVar variation 3644496 (VCV003644496.2).

ClinVar aggregate classification (germline): Uncertain significance (1 of 4 stars; one submission).

gnomAD v4.1: 1 of 1,613,996 alleles (0.000062%); no homozygotes.

Submission:

Labcorp Genetics (formerly Invitae), Labcorp
Classification: Uncertain significance. Last evaluated: 2024-05-28. Review status: criteria provided, single submitter. Criteria: Invitae Variant Classification Sherloc (09022015). Collection method: clinical testing. Allele origin: germline.
Comment: This sequence change replaces methionine, which is neutral and non-polar, with leucine, which is neutral and non-polar, at codon 750 of the MAGEL2 protein (p.Met750Leu). This variant is not present in population databases (gnomAD no frequency). This variant has not been reported in the literature in individuals affected with MAGEL2-related conditions. Advanced modeling of protein sequence and biophysical properties (such as structural, functional, and spatial information, amino acid conservation, physicochemical variation, residue mobility, and thermodynamic stability) has been performed at Invitae for this missense variant, however the output from this modeling did not meet the statistical confidence thresholds required to predict the impact of this variant on MAGEL2 protein function. In summary, the available evidence is currently insufficient to determine the role of this variant in disease. Therefore, it has been classified as a Variant of Uncertain Significance.